The following is an entry in ClinVar:

NM_015602.4(TOR1AIP1):c.125C>T (p.Ala42Val)

Genes: TOR1AIP1 (torsin 1A interacting protein 1; plus strand), LOC112577517 (Sharpr-MPRA regulatory region 13766; plus strand). Cytogenetic location: 1q25.2.
Variant type: single nucleotide variant.
Coding change: c.125C>T on transcript NM_015602.4 (MANE Select); coding-DNA position 125, C replaced by T.
Protein change: p.Ala42Val; replaces alanine 42 with valine.
Molecular consequence: missense variant.
Genome position (GRCh38, 1-based): chr1:179,882,627, C>T. VCF-style: chr1-179882627-C-T. GRCh37 (hg19) VCF-style: chr1-179851762-C-T.
Other names: c.125C>T, p.Ala42Val (NM_001267578.2); c.125C>T (NM_015602.2); short protein forms A42V.
Identifiers: ClinVar variation 970075 (VCV000970075.8), dbSNP rs376697448, ClinGen allele CA1268658.

ClinVar aggregate classification (germline): Uncertain significance. Review status: criteria provided, multiple submitters, no conflicts (2 of 4 stars). 3 submissions from 3 submitters: Uncertain significance (3). Last evaluated 2024-04-06.

Conditions:
Inborn genetic diseases. Identifiers: MedGen C0950123, MeSH D030342.
Autosomal recessive limb-girdle muscular dystrophy type 2Y (MRRSDC). Also called: Muscular dystrophy, limb-girdle, type 2y; Muscular dystrophy, autosomal recessive, with rigid spine and distal joint contractures. Identifiers: Orphanet 424261, MedGen C4511482, MONDO:0014900, OMIM 617072.

Allele frequency attached by ClinVar (database versions not stated): gnomAD 0.00006 and 0.00007; TOPMed 0.00022.

Submissions (3):

Labcorp Genetics (formerly Invitae), Labcorp
Classification: Uncertain significance for Autosomal recessive limb-girdle muscular dystrophy type 2Y. Last evaluated: 2024-04-06. Review status: criteria provided, single submitter. Criteria: Invitae Variant Classification Sherloc (09022015). Collection method: clinical testing. Allele origin: germline.
Comment: This sequence change replaces alanine, which is neutral and non-polar, with valine, which is neutral and non-polar, at codon 42 of the TOR1AIP1 protein (p.Ala42Val). This variant is present in population databases (rs376697448, gnomAD 0.2%). This variant has not been reported in the literature in individuals affected with TOR1AIP1-related conditions. ClinVar contains an entry for this variant (Variation ID: 970075). Algorithms developed to predict the effect of missense changes on protein structure and function output the following: SIFT: "Not Available"; PolyPhen-2: "Benign"; Align-GVGD: "Not Available". The valine amino acid residue is found in multiple mammalian species, which suggests that this missense change does not adversely affect protein function. In summary, the available evidence is currently insufficient to determine the role of this variant in disease. Therefore, it has been classified as a Variant of Uncertain Significance.

Genome-Nilou Lab
Classification: Uncertain significance for Autosomal recessive limb-girdle muscular dystrophy type 2Y. Last evaluated: 2023-04-11. Review status: criteria provided, single submitter. Criteria: ACMG Guidelines, 2015. Collection method: clinical testing. Allele origin: germline. Affected: no.

Ambry Genetics
Classification: Uncertain significance for Inborn genetic diseases. Last evaluated: 2023-02-07. Review status: criteria provided, single submitter. Criteria: Ambry Variant Classification Scheme 2023. Collection method: clinical testing. Allele origin: germline.